The following is an entry in ClinVar:

ClinVar aggregate classification (germline): Conflicting classifications of pathogenicity. Review status: criteria provided, conflicting classifications (1 of 4 stars). 2 submissions from 2 submitters: Uncertain significance (1); Likely benign (1). Last evaluated 2022-06-10.

Allele frequency attached by ClinVar (database versions not stated): gnomAD exomes below 0.00001; TOPMed below 0.00001; gnomAD 0.00001.
gnomAD v4.1: 4 of 1,613,646 alleles (0.00025%); highest among the groups gnomAD compares: Admixed American, 0.0033%; no homozygotes.

Submissions (2):

Labcorp Genetics (formerly Invitae), Labcorp
Classification: Uncertain significance. Last evaluated: 2022-06-10. Review status: criteria provided, single submitter. Criteria: Invitae Variant Classification Sherloc (09022015). Collection method: clinical testing. Allele origin: germline.
Comment: This sequence change falls in intron 30 of the CAD gene. It does not directly change the encoded amino acid sequence of the CAD protein. It affects a nucleotide within the consensus splice site. This variant is present in population databases (no rsID available, gnomAD 0.003%). This variant has not been reported in the literature in individuals affected with CAD-related conditions. ClinVar contains an entry for this variant (Variation ID: 1194508). Variants that disrupt the consensus splice site are a relatively common cause of aberrant splicing (PMID: 17576681, 9536098). Algorithms developed to predict the effect of sequence changes on RNA splicing suggest that this variant is not likely to affect RNA splicing. In summary, the available evidence is currently insufficient to determine the role of this variant in disease. Therefore, it has been classified as a Variant of Uncertain Significance.

GeneDx
Classification: Likely benign. Last evaluated: 2019-08-30. Review status: criteria provided, single submitter. Criteria: GeneDx Variant Classification Process June 2021. Collection method: clinical testing. Allele origin: germline. Affected: yes.

Literature cited by the submitters: PubMed 17576681 (cited by Labcorp Genetics (formerly Invitae), Labcorp); PubMed 9536098 (cited by Labcorp Genetics (formerly Invitae), Labcorp).

NM_004341.5(CAD):c.4860+6A>T

Gene: CAD (carbamoyl-phosphate synthetase 2, aspartate transcarbamylase, and dihydroorotase; plus strand). Cytogenetic location: 2p23.3.
Variant type: single nucleotide variant.
Coding change: c.4860+6A>T on transcript NM_004341.5 (MANE Select); 6 bases into the intron after coding-DNA position 4860, A replaced by T.
Molecular consequence: intron variant.
Genome position (GRCh38, 1-based): chr2:27,238,193, A>T. VCF-style: chr2-27238193-A-T. GRCh37 (hg19) VCF-style: chr2-27461061-A-T.
Other names: c.4671+6A>T (NM_001306079.2).
Identifiers: ClinVar variation 1194508 (VCV001194508.5), dbSNP rs1461244817, ClinGen allele CA531763668.